The following is an entry in ClinVar:

ClinVar aggregate classification (germline): Uncertain significance (1 of 4 stars; one submission).

Conditions:
Glanzmann thrombasthenia. Also called: Glanzmann's thrombasthenia; BLEEDING DISORDER, PLATELET-TYPE, 2; THROMBASTHENIA OF GLANZMANN AND NAEGELI; Thrombasthenia; PLATELET GLYCOPROTEIN IIb-IIIa DEFICIENCY. Identifiers: Orphanet 849, MedGen C0040015, MONDO:0100326.

Submission:

Labcorp Genetics (formerly Invitae), Labcorp
Classification: Uncertain significance for Glanzmann thrombasthenia. Last evaluated: 2024-05-23. Review status: criteria provided, single submitter. Criteria: Invitae Variant Classification Sherloc (09022015). Collection method: clinical testing. Allele origin: germline.
Comment: This sequence change falls in intron 9 of the ITGA2B gene. It does not directly change the encoded amino acid sequence of the ITGA2B protein. It affects a nucleotide within the consensus splice site. This variant is not present in population databases (gnomAD no frequency). This variant has not been reported in the literature in individuals affected with ITGA2B-related conditions. Variants that disrupt the consensus splice site are a relatively common cause of aberrant splicing (PMID: 17576681, 9536098). Algorithms developed to predict the effect of sequence changes on RNA splicing suggest that this variant may disrupt the consensus splice site. In summary, the available evidence is currently insufficient to determine the role of this variant in disease. Therefore, it has been classified as a Variant of Uncertain Significance.

Literature cited by the submitters: PubMed 17576681; PubMed 9536098.

NM_000419.5(ITGA2B):c.891+5G>T

Gene: ITGA2B (integrin subunit alpha 2b; minus strand). Cytogenetic location: 17q21.31.
Variant type: single nucleotide variant.
Coding change: c.891+5G>T on transcript NM_000419.5 (MANE Select); 5 bases into the intron after coding-DNA position 891, G replaced by T.
Molecular consequence: intron variant.
Genome position (GRCh38, 1-based): chr17:44,384,306, C>A on the plus strand (G>T on the coding strand, the complement: ITGA2B is on the minus strand). VCF-style: chr17-44384306-C-A. GRCh37 (hg19) VCF-style: chr17-42461674-C-A.
Identifiers: ClinVar variation 3710485 (VCV003710485.2).